The following is an entry in ClinVar:

ClinVar aggregate classification (germline): Benign. Review status: criteria provided, multiple submitters, no conflicts (2 of 4 stars). 9 submissions from 7 submitters: Benign (7). 2 of the submissions do not count toward it. Last evaluated 2021-09-05.

Conditions:
Autosomal dominant nonsyndromic hearing loss 22. Also called: Autosomal dominant nonsyndromic deafness 22; DFNA 22. Identifiers: Orphanet 228012, MedGen C2931767, MONDO:0011660, OMIM 606346.
Autosomal recessive nonsyndromic hearing loss 37. Identifiers: Orphanet 90636, MedGen C1843028, MONDO:0011912, OMIM 607821.

Allele frequency attached by ClinVar (database versions not stated): gnomAD 0.22630 and 0.22544; ESP Exome Variant Server 0.24097; 1000 Genomes Project 30x 0.14397; 1000 Genomes Project 0.14696; TOPMed 0.21284; gnomAD exomes 0.25047 and 0.31044; ExAC 0.28782.
gnomAD v4.1: 483,912 of 1,605,022 alleles (30%); highest among the groups gnomAD compares: Middle Eastern, 38%; 78,954 homozygotes.

Submissions (9):

Genome-Nilou Lab
Classification: Benign for Autosomal dominant nonsyndromic hearing loss 22. Last evaluated: 2021-09-05. Review status: criteria provided, single submitter. Criteria: ACMG Guidelines, 2015. Collection method: clinical testing. Allele origin: germline. Affected: no.

Genome-Nilou Lab
Classification: Benign for Autosomal recessive nonsyndromic hearing loss 37. Last evaluated: 2021-09-05. Review status: criteria provided, single submitter. Criteria: ACMG Guidelines, 2015. Collection method: clinical testing. Allele origin: germline. Affected: no.

Illumina Laboratory Services, Illumina
Classification: Benign for Autosomal recessive nonsyndromic hearing loss 37. Last evaluated: 2018-01-13. Review status: criteria provided, single submitter. Criteria: ICSL Variant Classification Criteria 13 December 2019. Collection method: clinical testing. Allele origin: germline.
Comment: This variant was observed in the ICSL laboratory as part of a predisposition screen in an ostensibly healthy population. It had not been previously curated by ICSL or reported in the Human Gene Mutation Database (HGMD: prior to June 1st, 2018), and was therefore a candidate for classification through an automated scoring system. Utilizing variant allele frequency, disease prevalence and penetrance estimates, and inheritance mode, an automated score was calculated to assess if this variant is too frequent to cause the disease. Based on the score and internal cut-off values, a variant classified as benign is not then subjected to further curation. The score for this variant resulted in a classification of benign for this disease.

Illumina Laboratory Services, Illumina
Classification: Benign for Autosomal dominant nonsyndromic hearing loss 22. Last evaluated: 2018-01-13. Review status: criteria provided, single submitter. Criteria: ICSL Variant Classification Criteria 13 December 2019. Collection method: clinical testing. Allele origin: germline.
Comment: the same text as in the submission from Illumina Laboratory Services, Illumina above.

GeneDx
Classification: Benign. Last evaluated: 2017-08-03. Review status: criteria provided, single submitter. Criteria: GeneDx Variant Classification Process June 2021. Collection method: clinical testing. Allele origin: germline. Affected: yes.

Laboratory for Molecular Medicine, Mass General Brigham Personalized Medicine
Classification: Benign. Last evaluated: 2012-04-17. Review status: criteria provided, single submitter. Criteria: LMM Criteria. Collection method: clinical testing. Allele origin: germline. Observed: 804 variant alleles.

PreventionGenetics, part of Exact Sciences
Classification: Benign. Review status: criteria provided, single submitter. Criteria: ACMG Guidelines, 2015. Collection method: clinical testing. Allele origin: germline.

Diagnostic Laboratory, Department of Genetics, University Medical Center Groningen
Classification: Benign. Review status: no assertion criteria provided. Collection method: clinical testing. Allele origin: germline. Affected: yes. Study: VKGL Data-share Consensus. Not counted in ClinVar's aggregate classification.

Joint Genome Diagnostic Labs from Nijmegen and Maastricht, Radboudumc and MUMC+
Classification: Benign. Review status: no assertion criteria provided. Collection method: clinical testing. Allele origin: germline. Affected: yes. Study: VKGL Data-share Consensus. Not counted in ClinVar's aggregate classification.

NM_004999.4(MYO6):c.*12C>T

Gene: MYO6 (myosin VI; plus strand). Cytogenetic location: 6q14.1.
Variant type: single nucleotide variant.
Coding change: c.*12C>T on transcript NM_004999.4 (MANE Select); 12 bases downstream of the stop codon, C replaced by T.
Molecular consequence: 3 prime UTR variant. On other transcripts: non-coding transcript variant (1).
Genome position (GRCh38, 1-based): chr6:75,915,024, C>T. VCF-style: chr6-75915024-C-T. GRCh37 (hg19) VCF-style: chr6-76624741-C-T.
Other names: c.*12C>T; c.*12C>T (NM_001300899.2, NM_001368136.1, NM_001368137.1 and 3 more transcripts).
Identifiers: ClinVar variation 45130 (VCV000045130.18), dbSNP rs12606, ClinGen allele CA135586.